The following is an entry in ClinVar:

ClinVar aggregate classification (germline): Conflicting classifications of pathogenicity. Review status: criteria provided, conflicting classifications (1 of 4 stars). 3 submissions from 3 submitters: Uncertain significance (1); Likely benign (2). Last evaluated 2025-10-13.

Conditions:
RPGRIP1L-related disorder. Also called: RPGRIP1L-related condition; RPGRIP1L-related disorders. Identifiers: MedGen CN239416.
Meckel-Gruber syndrome. Also called: DYSENCEPHALIA SPLANCHNOCYSTICA; Dysencephalia splachnocystica; GRUBER SYNDROME. Identifiers: Orphanet 564, MedGen C0265215, MONDO:0018921.
Joubert syndrome. Also called: Familial aplasia of the vermis; JOUBERT-BOLTSHAUSER SYNDROME. Identifiers: Orphanet 475, MedGen C5979921, MONDO:0018772.

gnomAD v4.1: 2 of 1,614,128 alleles (0.00012%); highest among the groups gnomAD compares: Admixed American, 0.0033%; no homozygotes.

Submissions (3):

PreventionGenetics, part of Exact Sciences
Classification: Likely benign for RPGRIP1L-related condition. Last evaluated: 2025-10-13. Review status: criteria provided, single submitter. Criteria: ACMG Guidelines, 2015. Collection method: clinical testing. Allele origin: germline.
Comment: This variant is classified as likely benign based on ACMG/AMP sequence variant interpretation guidelines (Richards et al. 2015 PMID: 25741868, with internal and published modifications).

GeneDx
Classification: Uncertain significance. Last evaluated: 2024-06-10. Review status: criteria provided, single submitter. Criteria: GeneDx Variant Classification Process June 2021. Collection method: clinical testing. Allele origin: germline. Affected: yes.
Comment: Not observed at significant frequency in large population cohorts (gnomAD); In silico analysis indicates that this variant does not alter splicing; Has not been previously published as pathogenic or benign to our knowledge

Labcorp Genetics (formerly Invitae), Labcorp
Classification: Likely benign for Joubert syndrome; Meckel-Gruber syndrome. Last evaluated: 2022-07-26. Review status: criteria provided, single submitter. Criteria: Invitae Variant Classification Sherloc (09022015). Collection method: clinical testing. Allele origin: germline.

NM_015272.5(RPGRIP1L):c.303G>T (p.Arg101=)

Gene: RPGRIP1L (RPGRIP1 like; minus strand). Cytogenetic location: 16q12.2.
Variant type: single nucleotide variant.
Coding change: c.303G>T on transcript NM_015272.5 (MANE Select); coding-DNA position 303, G replaced by T.
Protein change: p.Arg101=; no amino-acid change (arginine 101 retained).
Molecular consequence: synonymous variant.
Genome position (GRCh38, 1-based): chr16:53,692,292, C>A on the plus strand (G>T on the coding strand, the complement: RPGRIP1L is on the minus strand). VCF-style: chr16-53692292-C-A. GRCh37 (hg19) VCF-style: chr16-53726204-C-A.
Other names: c.303G>T (NM_015272.4, NM_015272.2); c.303G>T, p.Arg101= (NM_001127897.4, NM_001308334.3, NM_001330538.2).
Identifiers: ClinVar variation 1119811 (VCV001119811.11), dbSNP rs182207372, ClinGen allele CA495539269.